The following is an entry in ClinVar:

ClinVar aggregate classification (germline): Likely pathogenic (1 of 4 stars; one submission).

Submission:

Labcorp Genetics (formerly Invitae), Labcorp
Classification: Likely pathogenic. Last evaluated: 2023-12-19. Review status: criteria provided, single submitter. Criteria: Invitae Variant Classification Sherloc (09022015). Collection method: clinical testing. Allele origin: germline.
Comment: This sequence change creates a premature translational stop signal (p.Arg857Glufs*15) in the TOPORS gene. While this is not anticipated to result in nonsense mediated decay, it is expected to disrupt the last 189 amino acid(s) of the TOPORS protein. This variant is not present in population databases (gnomAD no frequency). This variant has not been reported in the literature in individuals affected with TOPORS-related conditions. ClinVar contains an entry for this variant (Variation ID: 856353). This variant is located in a region of the TOPORS protein where a significant number of TOPORS nonsense and frameshift mutations have been reported in association with autosomal dominant retinitis pigmentosa (PMID: 35579903, 17924349, 32531858). In summary, the currently available evidence indicates that the variant is pathogenic, but additional data are needed to prove that conclusively. Therefore, this variant has been classified as Likely Pathogenic.

Literature cited by the submitters: PubMed 35579903; PubMed 17924349; PubMed 32531858.

NM_005802.5(TOPORS):c.2569_2570del (p.Arg857fs)

Gene: TOPORS (TOP1 binding arginine/serine rich protein, E3 ubiquitin ligase; minus strand). Cytogenetic location: 9p21.1.
Variant type: Deletion.
Coding change: c.2569_2570del on transcript NM_005802.5 (MANE Select); coding-DNA positions 2569 to 2570, 2 bases deleted (AG; older notation c.2569_2570delAG).
Protein change: p.Arg857fs; shifts the reading frame from arginine 857.
Molecular consequence: frameshift variant.
Genome position (GRCh38, 1-based): chr9:32,541,955-32,541,956, CT deleted on the plus strand (AG on the coding strand, the reverse complement: TOPORS is on the minus strand). VCF-style (leftmost placement, unchanged base first): chr9-32541954-CCT-C. GRCh37 (hg19) VCF-style: chr9-32541952-CCT-C.
Other names: c.2374_2375del, p.Arg792fs (NM_001195622.2); short protein forms R792fs, R857fs.
Identifiers: ClinVar variation 856353 (VCV000856353.9), dbSNP rs1821069325, ClinGen allele CA916083042.